The following is an entry in ClinVar:

ClinVar aggregate classification (germline): Uncertain significance (1 of 4 stars; one submission).

Submission:

Labcorp Genetics (formerly Invitae), Labcorp
Classification: Uncertain significance. Last evaluated: 2023-12-25. Review status: criteria provided, single submitter. Criteria: Invitae Variant Classification Sherloc (09022015). Collection method: clinical testing. Allele origin: germline.
Comment: This sequence change replaces alanine, which is neutral and non-polar, with glycine, which is neutral and non-polar, at codon 330 of the FZD4 protein (p.Ala330Gly). This variant is not present in population databases (gnomAD no frequency). This variant has not been reported in the literature in individuals affected with FZD4-related conditions. Advanced modeling of protein sequence and biophysical properties (such as structural, functional, and spatial information, amino acid conservation, physicochemical variation, residue mobility, and thermodynamic stability) performed at Invitae indicates that this missense variant is not expected to disrupt FZD4 protein function with a negative predictive value of 80%. In summary, the available evidence is currently insufficient to determine the role of this variant in disease. Therefore, it has been classified as a Variant of Uncertain Significance.

NM_012193.4(FZD4):c.989C>G (p.Ala330Gly)

Genes: FZD4 (frizzled class receptor 4; minus strand), PRSS23 (serine protease 23; plus strand). Cytogenetic location: 11q14.2.
Variant type: single nucleotide variant.
Coding change: c.989C>G on transcript NM_012193.4 (MANE Select); coding-DNA position 989, C replaced by G.
Protein change: p.Ala330Gly; replaces alanine 330 with glycine.
Molecular consequence: missense variant. On other transcripts: non-coding transcript variant (2).
Genome position (GRCh38, 1-based): chr11:86,951,767, G>C on the plus strand (C>G on the coding strand, the complement: FZD4 is on the minus strand). VCF-style: chr11-86951767-G-C. GRCh37 (hg19) VCF-style: chr11-86662809-G-C.
Other names: short protein forms A330G.
Identifiers: ClinVar variation 2816030 (VCV002816030.3), dbSNP rs2495866959, ClinGen allele CA382013637.